The following is an entry in ClinVar:

ClinVar aggregate classification (germline): Uncertain significance. Review status: criteria provided, multiple submitters, no conflicts (2 of 4 stars). 3 submissions from 3 submitters: Uncertain significance (3). Last evaluated 2024-09-30.

Conditions:
Birt-Hogg-Dube syndrome. Also called: Birt Hogg Dubé syndrome. Identifiers: Orphanet 122, MedGen C0346010, MONDO:0800444.
Hereditary cancer-predisposing syndrome. Also called: Neoplastic Syndromes, Hereditary; Hereditary neoplastic syndrome; Tumor predisposition; Hereditary Cancer Syndrome. Identifiers: Orphanet 140162, MedGen C0027672, MeSH D009386, MONDO:0015356.

Allele frequency attached by ClinVar (database versions not stated): TOPMed below 0.00001; gnomAD 0.00001; gnomAD exomes 0.00001.
gnomAD v4.1: 18 of 1,613,548 alleles (0.0011%); highest among the groups gnomAD compares: Non-Finnish European, 0.0015%; no homozygotes.

Submissions (3):

Ambry Genetics
Classification: Uncertain significance for Hereditary cancer-predisposing syndrome. Last evaluated: 2024-09-30. Review status: criteria provided, single submitter. Criteria: Ambry Variant Classification Scheme 2023. Collection method: clinical testing. Allele origin: germline.
Comment: The p.H351Y variant (also known as c.1051C>T), located in coding exon 6 of the FLCN gene, results from a C to T substitution at nucleotide position 1051. The histidine at codon 351 is replaced by tyrosine, an amino acid with similar properties. This amino acid position is conserved. In addition, this alteration is predicted to be deleterious by in silico analysis. Since supporting evidence is limited at this time, the clinical significance of this alteration remains unclear.

Labcorp Genetics (formerly Invitae), Labcorp
Classification: Uncertain significance for Birt-Hogg-Dube syndrome. Last evaluated: 2024-07-03. Review status: criteria provided, single submitter. Criteria: Invitae Variant Classification Sherloc (09022015). Collection method: clinical testing. Allele origin: germline.
Comment: This sequence change replaces histidine, which is basic and polar, with tyrosine, which is neutral and polar, at codon 351 of the FLCN protein (p.His351Tyr). This variant is not present in population databases (gnomAD no frequency). This variant has not been reported in the literature in individuals affected with FLCN-related conditions. ClinVar contains an entry for this variant (Variation ID: 846372). Advanced modeling of protein sequence and biophysical properties (such as structural, functional, and spatial information, amino acid conservation, physicochemical variation, residue mobility, and thermodynamic stability) performed at Invitae indicates that this missense variant is not expected to disrupt FLCN protein function with a negative predictive value of 80%. In summary, the available evidence is currently insufficient to determine the role of this variant in disease. Therefore, it has been classified as a Variant of Uncertain Significance.

GeneDx
Classification: Uncertain significance. Last evaluated: 2021-09-29. Review status: criteria provided, single submitter. Criteria: GeneDx Variant Classification Process June 2021. Collection method: clinical testing. Allele origin: germline. Affected: yes.
Comment: Not observed at significant frequency in large population cohorts (Lek et al., 2016); In silico analysis supports that this missense variant has a deleterious effect on protein structure/function; In silico analysis supports a deleterious effect on splicing; Has not been previously published as pathogenic or benign to our knowledge

NM_144997.7(FLCN):c.1051C>T (p.His351Tyr)

Gene: FLCN (folliculin; minus strand). Cytogenetic location: 17p11.2.
Variant type: single nucleotide variant.
Coding change: c.1051C>T on transcript NM_144997.7 (MANE Select); coding-DNA position 1051, C replaced by T.
Protein change: p.His351Tyr; replaces histidine 351 with tyrosine.
Molecular consequence: missense variant.
Genome position (GRCh38, 1-based): chr17:17,219,030, G>A on the plus strand (C>T on the coding strand, the complement: FLCN is on the minus strand). VCF-style: chr17-17219030-G-A. GRCh37 (hg19) VCF-style: chr17-17122344-G-A.
Other names: c.1105C>T, p.His369Tyr (NM_001353229.2); c.1051C>T, p.His351Tyr (NM_001353230.2, NM_001353231.2); short protein forms H369Y, H351Y.
Identifiers: ClinVar variation 846372 (VCV000846372.11), dbSNP rs2047006425, ClinGen allele CA398532653.